The following is an entry in ClinVar:

NM_004706.4(ARHGEF1):c.388A>T (p.Ile130Phe)

Gene: ARHGEF1 (Rho guanine nucleotide exchange factor 1; plus strand). Cytogenetic location: 19q13.2.
Variant type: single nucleotide variant.
Coding change: c.388A>T on transcript NM_004706.4 (MANE Select); coding-DNA position 388, A replaced by T.
Protein change: p.Ile130Phe; replaces isoleucine 130 with phenylalanine.
Molecular consequence: missense variant. On other transcripts: non-coding transcript variant (2).
Genome position (GRCh38, 1-based): chr19:41,892,623, A>T. VCF-style: chr19-41892623-A-T. GRCh37 (hg19) VCF-style: chr19-42396694-A-T.
Other names: c.388A>T, p.Ile130Phe (NM_001396000.1, NM_001396003.1, NM_001396006.1); c.289A>T, p.Ile97Phe (NM_001396002.1, NM_001396004.1, NM_198977.2); c.433A>T, p.Ile145Phe (NM_199002.2); short protein forms I145F, I130F, I97F.
Identifiers: ClinVar variation 2031605 (VCV002031605.4), dbSNP rs2513786637, ClinGen allele CA406047751.

ClinVar aggregate classification (germline): Uncertain significance (1 of 4 stars; one submission).

Submission:

Labcorp Genetics (formerly Invitae), Labcorp
Classification: Uncertain significance. Last evaluated: 2024-04-02. Review status: criteria provided, single submitter. Criteria: Invitae Variant Classification Sherloc (09022015). Collection method: clinical testing. Allele origin: germline.
Comment: This sequence change replaces isoleucine, which is neutral and non-polar, with phenylalanine, which is neutral and non-polar, at codon 145 of the ARHGEF1 protein (p.Ile145Phe). This variant is not present in population databases (gnomAD no frequency). This variant has not been reported in the literature in individuals affected with ARHGEF1-related conditions. ClinVar contains an entry for this variant (Variation ID: 2031605). Algorithms developed to predict the effect of missense changes on protein structure and function output the following: SIFT: "Not Available"; PolyPhen-2: "Benign"; Align-GVGD: "Not Available". The phenylalanine amino acid residue is found in multiple mammalian species, which suggests that this missense change does not adversely affect protein function. In summary, the available evidence is currently insufficient to determine the role of this variant in disease. Therefore, it has been classified as a Variant of Uncertain Significance.